The following is an entry in ClinVar:

NM_017654.4(SAMD9):c.4292C>T (p.Pro1431Leu)

Gene: SAMD9 (sterile alpha motif domain containing 9; minus strand). Cytogenetic location: 7q21.2.
Variant type: single nucleotide variant.
Coding change: c.4292C>T on transcript NM_017654.4 (MANE Select); coding-DNA position 4292, C replaced by T.
Protein change: p.Pro1431Leu; replaces proline 1431 with leucine.
Molecular consequence: missense variant.
Genome position (GRCh38, 1-based): chr7:93,101,806, G>A on the plus strand (C>T on the coding strand, the complement: SAMD9 is on the minus strand). VCF-style: chr7-93101806-G-A. GRCh37 (hg19) VCF-style: chr7-92731119-G-A.
Other names: c.4292C>T, p.Pro1431Leu (NM_001193307.2); short protein forms P1431L.
Identifiers: ClinVar variation 2903995 (VCV002903995.2), dbSNP rs774845704, ClinGen allele CA4342572.

ClinVar aggregate classification (germline): Uncertain significance. Review status: criteria provided, multiple submitters, no conflicts (2 of 4 stars). 2 submissions from 2 submitters: Uncertain significance (2). Last evaluated 2023-09-14.

Allele frequency attached by ClinVar (database versions not stated): gnomAD 0.00001; gnomAD exomes 0.00001; ExAC 0.00002; TOPMed 0.00002.
gnomAD v4.1: 9 of 1,613,584 alleles (0.00056%); highest among the groups gnomAD compares: Admixed American, 0.0033%; no homozygotes.

Submissions (2):

Labcorp Genetics (formerly Invitae), Labcorp
Classification: Uncertain significance. Last evaluated: 2023-09-14. Review status: criteria provided, single submitter. Criteria: Invitae Variant Classification Sherloc (09022015). Collection method: clinical testing. Allele origin: germline.
Comment: In summary, the available evidence is currently insufficient to determine the role of this variant in disease. Therefore, it has been classified as a Variant of Uncertain Significance. Advanced modeling of protein sequence and biophysical properties (such as structural, functional, and spatial information, amino acid conservation, physicochemical variation, residue mobility, and thermodynamic stability) has been performed at Invitae for this missense variant, however the output from this modeling did not meet the statistical confidence thresholds required to predict the impact of this variant on SAMD9 protein function. This variant has not been reported in the literature in individuals affected with SAMD9-related conditions. This variant is present in population databases (rs774845704, gnomAD 0.006%). This sequence change replaces proline, which is neutral and non-polar, with leucine, which is neutral and non-polar, at codon 1431 of the SAMD9 protein (p.Pro1431Leu).

Blueprint Genetics
Classification: Uncertain significance. Last evaluated: 2019-12-30. Review status: criteria provided, single submitter. Criteria: ACMG Guidelines, 2015. Collection method: clinical testing. Allele origin: germline.